The following is an entry in ClinVar:

NM_005219.5(DIAPH1):c.3237C>T (p.Ala1079=)

Gene: DIAPH1 (diaphanous related formin 1; minus strand). Cytogenetic location: 5q31.3.
Variant type: single nucleotide variant.
Coding change: c.3237C>T on transcript NM_005219.5 (MANE Select); coding-DNA position 3237, C replaced by T.
Protein change: p.Ala1079=; no amino-acid change (alanine 1079 retained).
Molecular consequence: synonymous variant.
Genome position (GRCh38, 1-based): chr5:141,527,609, G>A on the plus strand (C>T on the coding strand, the complement: DIAPH1 is on the minus strand). VCF-style: chr5-141527609-G-A. GRCh37 (hg19) VCF-style: chr5-140907176-G-A.
Other names: c.3210C>T, p.Ala1070= (NM_001079812.3); c.3237C>T, p.Ala1079= (NM_001314007.2).
Identifiers: ClinVar variation 667103 (VCV000667103.6), dbSNP rs777308371, ClinGen allele CA3478832.

ClinVar aggregate classification (germline): Likely benign. Review status: criteria provided, multiple submitters, no conflicts (2 of 4 stars). 2 submissions from 2 submitters: Likely benign (2). Last evaluated 2024-09-03.

Conditions:
Autosomal dominant nonsyndromic hearing loss 1. Also called: DEAFNESS, AUTOSOMAL DOMINANT 1, WITH OR WITHOUT THROMBOCYTOPENIA; KONIGSMARK SYNDROME. Identifiers: Orphanet 90635, MedGen C1852282, MONDO:0007424, OMIM 124900.
Progressive microcephaly-seizures-cortical blindness-developmental delay syndrome. Also called: Seizures, cortical blindness, and microcephaly syndrome. Identifiers: Orphanet 477814, MedGen C5567650, MONDO:0014714, OMIM 616632.

Allele frequency attached by ClinVar (database versions not stated): gnomAD exomes below 0.00001; ExAC 0.00001.
gnomAD v4.1: 2 of 1,611,752 alleles (0.00012%); highest among the groups gnomAD compares: Non-Finnish European, 0.00017%; no homozygotes.

Submissions (2):

Labcorp Genetics (formerly Invitae), Labcorp
Classification: Likely benign for Progressive microcephaly-seizures-cortical blindness-developmental delay syndrome; Autosomal dominant nonsyndromic hearing loss 1. Last evaluated: 2024-09-03. Review status: criteria provided, single submitter. Criteria: Invitae Variant Classification Sherloc (09022015). Collection method: clinical testing. Allele origin: germline.

Laboratory for Molecular Medicine, Mass General Brigham Personalized Medicine
Classification: Likely benign. Last evaluated: 2017-08-23. Review status: criteria provided, single submitter. Criteria: LMM Criteria. Collection method: clinical testing. Allele origin: germline. Observed: 1 variant allele.
Comment: p.Ala1079Ala in exon 24 of DIAPH1: This variant is not expected to have clinical significance because it does not alter an amino acid residue and is not located within the splice consensus sequence. It has been identified in 1/66602 Europea n chromosomes by the Exome Aggregation Consortium (ExAC; dbSNP rs777308371).